The following is an entry in ClinVar:

ClinVar aggregate classification (germline): Uncertain significance (1 of 4 stars; one submission).

Conditions:
Neurodevelopmental disorder with hypotonia, language delay, and skeletal defects with or without seizures (NEDHLSS). Identifiers: MedGen C5774213, MONDO:0859286, OMIM 620029.

Submission:

3billion
Classification: Uncertain significance for Neurodevelopmental disorder with hypotonia, language delay, and skeletal defects with or without seizures. Last evaluated: 2025-08-28. Review status: criteria provided, single submitter. Criteria: ACMG Guidelines, 2015. Collection method: clinical testing. Allele origin: germline. Affected: yes.
Comment: The variant is not observed in the gnomAD v4.1.0 dataset. Predicted Consequence/Location: Intron variant In silico tools predict the variant to alter splicing and produce an abnormal transcript [SpliceAI: 0.21 (>=0.2, moderate evidence for spliceogenicity)]. Therefore, this variant is classified as VUS according to the recommendation of ACMG/AMP guideline.

NM_000719.7(CACNA1C):c.5573+41G>A

Genes: CACNA1C (calcium voltage-gated channel subunit alpha1 C; plus strand), CACNA1C-AS1 (CACNA1C antisense RNA 1; minus strand). Cytogenetic location: 12p13.33.
Variant type: single nucleotide variant.
Coding change: c.5573+41G>A on transcript NM_000719.7 (MANE Select); 41 bases into the intron after coding-DNA position 5573, G replaced by A.
Molecular consequence: intron variant.
Genome position (GRCh38, 1-based): chr12:2,682,719, G>A. VCF-style: chr12-2682719-G-A. GRCh37 (hg19) VCF-style: chr12-2791885-G-A.
Other names: c.5678+41G>A (NM_001167624.3, NM_001129830.3); c.5573+41G>A (NM_001167623.2, NM_001129840.2, NM_001129842.2 and 2 more transcripts); c.5753+41G>A (NM_001167625.2); c.5822+41G>A (NM_199460.4); c.5717+41G>A (NM_001129827.2); c.5633+41G>A (NM_001129832.2); c.5657+41G>A (NM_001129831.2); c.5630+41G>A (NM_001129833.2, NM_001129834.2, NM_001129835.2); and 6 more.
Identifiers: ClinVar variation 4854464 (VCV004854464.1).